The following is an entry in ClinVar:

ClinVar aggregate classification (germline): Benign/Likely benign. Review status: criteria provided, multiple submitters, no conflicts (2 of 4 stars). 3 submissions from 3 submitters: Benign (1); Likely benign (1). 1 of the submissions does not count toward it. Last evaluated 2023-08-17.

Conditions:
KBG syndrome (KBGS). Also called: ANKRD11-Related KBG Syndrome. Identifiers: Orphanet 2332, MedGen C0220687, MONDO:0007846, OMIM 148050.
ANKRD11-related disorder. Also called: ANKRD11-related condition.

Allele frequency attached by ClinVar (database versions not stated): ExAC 0.00001; gnomAD 0.00001; TOPMed 0.00001; gnomAD exomes 0.00002.
gnomAD v4.1: 38 of 1,614,040 alleles (0.0024%); highest among the groups gnomAD compares: Non-Finnish European, 0.0028%; no homozygotes.

Submissions (3):

Labcorp Genetics (formerly Invitae), Labcorp
Classification: Benign for KBG syndrome. Last evaluated: 2023-08-17. Review status: criteria provided, single submitter. Criteria: Invitae Variant Classification Sherloc (09022015). Collection method: clinical testing. Allele origin: germline.

Blueprint Genetics
Classification: Likely benign. Last evaluated: 2023-06-26. Review status: criteria provided, single submitter. Criteria: ACMG Guidelines, 2015. Collection method: clinical testing. Allele origin: germline.

PreventionGenetics, part of Exact Sciences
Classification: Likely benign for ANKRD11-related condition. Last evaluated: 2019-09-27. Review status: no assertion criteria provided. Collection method: clinical testing. Allele origin: germline. Not counted in ClinVar's aggregate classification.
Comment: This variant is classified as likely benign based on ACMG/AMP sequence variant interpretation guidelines (Richards et al. 2015 PMID: 25741868, with internal and published modifications).

NM_013275.6(ANKRD11):c.717C>T (p.His239=)

Gene: ANKRD11 (ankyrin repeat domain 11; minus strand). Cytogenetic location: 16q24.3.
Variant type: single nucleotide variant.
Coding change: c.717C>T on transcript NM_013275.6 (MANE Select); coding-DNA position 717, C replaced by T.
Protein change: p.His239=; no amino-acid change (histidine 239 retained).
Molecular consequence: synonymous variant. On other transcripts: non-coding transcript variant (1).
Genome position (GRCh38, 1-based): chr16:89,288,555, G>A on the plus strand (C>T on the coding strand, the complement: ANKRD11 is on the minus strand). VCF-style: chr16-89288555-G-A. GRCh37 (hg19) VCF-style: chr16-89354963-G-A.
Other names: c.717C>T (NM_013275.5); c.717C>T, p.His239= (NM_001256182.2, NM_001256183.2).
Identifiers: ClinVar variation 2713215 (VCV002713215.6), dbSNP rs753274554, ClinGen allele CA8243008.